The following is an entry in ClinVar:

ClinVar aggregate classification (germline): Uncertain significance. Review status: criteria provided, multiple submitters, no conflicts (2 of 4 stars). 2 submissions from 2 submitters: Uncertain significance (2). Last evaluated 2022-04-17.

Conditions:
Bardet-Biedl syndrome (BBS). Identifiers: Orphanet 110, MedGen C0752166, MONDO:0015229.

Allele frequency attached by ClinVar (database versions not stated): gnomAD exomes 0.00001.
gnomAD v4.1: 2 of 1,565,338 alleles (0.00013%); highest among the groups gnomAD compares: East Asian, 0.0024%; no homozygotes.

Submissions (2):

Labcorp Genetics (formerly Invitae), Labcorp
Classification: Uncertain significance for Bardet-Biedl syndrome. Last evaluated: 2022-04-17. Review status: criteria provided, single submitter. Criteria: Invitae Variant Classification Sherloc (09022015). Collection method: clinical testing. Allele origin: germline.
Comment: This sequence change replaces alanine, which is neutral and non-polar, with valine, which is neutral and non-polar, at codon 2 of the BBS4 protein (p.Ala2Val). The frequency data for this variant in the population databases is considered unreliable, as metrics indicate poor data quality at this position in the gnomAD database. This variant has not been reported in the literature in individuals affected with BBS4-related conditions. Algorithms developed to predict the effect of missense changes on protein structure and function (SIFT, PolyPhen-2, Align-GVGD) all suggest that this variant is likely to be tolerated. In summary, the available evidence is currently insufficient to determine the role of this variant in disease. Therefore, it has been classified as a Variant of Uncertain Significance.

Blueprint Genetics
Classification: Uncertain significance. Last evaluated: 2019-02-01. Review status: criteria provided, single submitter. Criteria: ACMG Guidelines, 2015. Collection method: clinical testing. Allele origin: germline.

NM_033028.5(BBS4):c.5C>T (p.Ala2Val)

Gene: BBS4 (Bardet-Biedl syndrome 4; plus strand). Cytogenetic location: 15q24.1.
Variant type: single nucleotide variant.
Coding change: c.5C>T on transcript NM_033028.5 (MANE Select); coding-DNA position 5, C replaced by T.
Protein change: p.Ala2Val; replaces alanine 2 with valine.
Molecular consequence: missense variant. On other transcripts: 5 prime UTR variant (1), non-coding transcript variant (2).
Genome position (GRCh38, 1-based): chr15:72,686,232, C>T. VCF-style: chr15-72686232-C-T. GRCh37 (hg19) VCF-style: chr15-72978573-C-T.
Other names: c.-465C>T (NM_001252678.2); c.5C>T, p.Ala2Val (NM_001320665.2); short protein forms A2V.
Identifiers: ClinVar variation 1375048 (VCV001375048.6), dbSNP rs923399180, ClinGen allele CA272613050.